The following is an entry in ClinVar:

ClinVar aggregate classification (germline): Uncertain significance. Review status: criteria provided, multiple submitters, no conflicts (2 of 4 stars). 3 submissions from 3 submitters: Uncertain significance (3). Last evaluated 2025-10-23.

Conditions:
Distal myopathy with posterior leg and anterior hand involvement. Also called: WILLIAMS DISTAL MYOPATHY. Identifiers: Orphanet 63273, MedGen C3279722, MONDO:0013550, OMIM 614065.
Hypertrophic cardiomyopathy 26. Also called: Cardiomyopathy, familial hypertrophic, 26. Identifiers: Orphanet 75249, MedGen C4310749, MONDO:0014883, OMIM 617047.
Myofibrillar myopathy 5. Also called: Filaminopathy (type); FILAMINOPATHY, AUTOSOMAL DOMINANT. Identifiers: Orphanet 171445, MedGen C1836050, MONDO:0012289, OMIM 609524.
Cardiovascular phenotype. Identifiers: MedGen CN230736.

gnomAD v4.1: 28 of 1,609,834 alleles (0.0017%); highest among the groups gnomAD compares: Non-Finnish European, 0.0024%; no homozygotes.

Submissions (3):

Labcorp Genetics (formerly Invitae), Labcorp
Classification: Uncertain significance for Distal myopathy with posterior leg and anterior hand involvement; Myofibrillar myopathy 5; Hypertrophic cardiomyopathy 26. Last evaluated: 2025-10-23. Review status: criteria provided, single submitter. Criteria: Invitae Variant Classification Sherloc (09022015). Collection method: clinical testing. Allele origin: germline.
Comment: This sequence change replaces valine, which is neutral and non-polar, with phenylalanine, which is neutral and non-polar, at codon 1503 of the FLNC protein (p.Val1503Phe). This variant is not present in population databases (gnomAD no frequency). This variant has not been reported in the literature in individuals affected with FLNC-related conditions. ClinVar contains an entry for this variant (Variation ID: 3850777). Invitae Evidence Modeling of protein sequence and biophysical properties (such as structural, functional, and spatial information, amino acid conservation, physicochemical variation, residue mobility, and thermodynamic stability) has been performed for this missense variant. However, the output from this modeling did not meet the statistical confidence thresholds required to predict the impact of this variant on FLNC protein function. In summary, the available evidence is currently insufficient to determine the role of this variant in disease. Therefore, it has been classified as a Variant of Uncertain Significance.

Ambry Genetics
Classification: Uncertain significance for Cardiovascular phenotype. Last evaluated: 2024-12-31. Review status: criteria provided, single submitter. Criteria: Ambry Variant Classification Scheme 2023. Collection method: clinical testing. Allele origin: germline.
Comment: The p.V1503F variant (also known as c.4507G>T), located in coding exon 26 of the FLNC gene, results from a G to T substitution at nucleotide position 4507. The valine at codon 1503 is replaced by phenylalanine, an amino acid with highly similar properties. This amino acid position is conserved. In addition, this alteration is predicted to be deleterious by in silico analysis. Based on the available evidence, the clinical significance of this variant remains unclear.

GeneDx
Classification: Uncertain significance. Last evaluated: 2024-12-20. Review status: criteria provided, single submitter. Criteria: GeneDx Variant Classification Process June 2021. Collection method: clinical testing. Allele origin: germline. Affected: yes.
Comment: Not observed at significant frequency in large population cohorts (gnomAD); In silico analysis supports that this missense variant has a deleterious effect on protein structure/function; Has not been previously published as pathogenic or benign to our knowledge

NM_001458.5(FLNC):c.4507G>T (p.Val1503Phe)

Gene: FLNC (filamin C; plus strand). Cytogenetic location: 7q32.1.
Variant type: single nucleotide variant.
Coding change: c.4507G>T on transcript NM_001458.5 (MANE Select); coding-DNA position 4507, G replaced by T.
Protein change: p.Val1503Phe; replaces valine 1503 with phenylalanine.
Molecular consequence: missense variant.
Genome position (GRCh38, 1-based): chr7:128,847,995, G>T. VCF-style: chr7-128847995-G-T. GRCh37 (hg19) VCF-style: chr7-128488049-G-T.
Other names: c.4507G>T, p.Val1503Phe (NM_001127487.2); short protein forms V1503F.
Identifiers: ClinVar variation 3850777 (VCV003850777.3).
Genomic context (GRCh38, chr7:128,847,995, plus strand): 5'-CCTTGCCCAGGTGTGGCCGAGCCTGTGGAGGTGCGGGACAATGGAGATGGCACCCACACT[G>T]TCCACTACACCCCAGCCACTGACGGGCCCTACACGGTAGCCGTCAAGTATGCTGACCAGG-3'
Protein context (NP_001449.3, residues 1493-1513): VRDNGDGTHT[Val1503Phe]HYTPATDGPY